The following is an entry in ClinVar:

NM_001029883.3(PCARE):c.2663C>G (p.Pro888Arg)

Gene: PCARE (photoreceptor cilium actin regulator; minus strand). Cytogenetic location: 2p23.2.
Variant type: single nucleotide variant.
Coding change: c.2663C>G on transcript NM_001029883.3 (MANE Select); coding-DNA position 2663, C replaced by G.
Protein change: p.Pro888Arg; replaces proline 888 with arginine.
Molecular consequence: missense variant.
Genome position (GRCh38, 1-based): chr2:29,071,599, G>C on the plus strand (C>G on the coding strand, the complement: PCARE is on the minus strand). VCF-style: chr2-29071599-G-C. GRCh37 (hg19) VCF-style: chr2-29294465-G-C.
Other names: short protein forms P888R.
Identifiers: ClinVar variation 2085981 (VCV002085981.4), dbSNP rs2465274742, ClinGen allele CA346476763.

ClinVar aggregate classification (germline): Uncertain significance (1 of 4 stars; one submission).

Submission:

Labcorp Genetics (formerly Invitae), Labcorp
Classification: Uncertain significance. Last evaluated: 2022-11-15. Review status: criteria provided, single submitter. Criteria: Invitae Variant Classification Sherloc (09022015). Collection method: clinical testing. Allele origin: germline.
Comment: This sequence change replaces proline, which is neutral and non-polar, with arginine, which is basic and polar, at codon 888 of the PCARE protein (p.Pro888Arg). This variant is not present in population databases (gnomAD no frequency). Algorithms developed to predict the effect of missense changes on protein structure and function are either unavailable or do not agree on the potential impact of this missense change (SIFT: "Deleterious"; PolyPhen-2: "Probably Damaging"; Align-GVGD: "Class C15"). This variant has not been reported in the literature in individuals affected with PCARE-related conditions. In summary, the available evidence is currently insufficient to determine the role of this variant in disease. Therefore, it has been classified as a Variant of Uncertain Significance.